The following is an entry in ClinVar:

ClinVar aggregate classification (germline): Uncertain significance (1 of 4 stars; one submission).

Conditions:
Gorlin syndrome. Also called: Nevoid Basal Cell Carcinoma Syndrome; Basal cell nevus syndrome. Identifiers: Orphanet 377, MedGen C0004779, MONDO:0007187.

Allele frequency attached by ClinVar (database versions not stated): gnomAD exomes below 0.00001; gnomAD 0.00001; TOPMed 0.00001.
gnomAD v4.1: 12 of 1,614,054 alleles (0.00074%); highest among the groups gnomAD compares: Admixed American, 0.0033%; no homozygotes.

Submission:

Labcorp Genetics (formerly Invitae), Labcorp
Classification: Uncertain significance for Gorlin syndrome. Last evaluated: 2025-07-21. Review status: criteria provided, single submitter. Criteria: Invitae Variant Classification Sherloc (09022015). Collection method: clinical testing. Allele origin: germline.
Comment: This sequence change replaces glycine, which is neutral and non-polar, with arginine, which is basic and polar, at codon 50 of the PTCH2 protein (p.Gly50Arg). This variant is present in population databases (no rsID available, gnomAD 0.003%). This variant has not been reported in the literature in individuals affected with PTCH2-related conditions. ClinVar contains an entry for this variant (Variation ID: 941409). Invitae Evidence Modeling of protein sequence and biophysical properties (such as structural, functional, and spatial information, amino acid conservation, physicochemical variation, residue mobility, and thermodynamic stability) indicates that this missense variant is not expected to disrupt PTCH2 protein function with a negative predictive value of 80%. In summary, the available evidence is currently insufficient to determine the role of this variant in disease. Therefore, it has been classified as a Variant of Uncertain Significance.

NM_003738.5(PTCH2):c.148G>A (p.Gly50Arg)

Gene: PTCH2 (patched 2; minus strand). Cytogenetic location: 1p34.1.
Variant type: single nucleotide variant.
Coding change: c.148G>A on transcript NM_003738.5 (MANE Select); coding-DNA position 148, G replaced by A.
Protein change: p.Gly50Arg; replaces glycine 50 with arginine.
Molecular consequence: missense variant.
Genome position (GRCh38, 1-based): chr1:44,841,964, C>T on the plus strand (G>A on the coding strand, the complement: PTCH2 is on the minus strand). VCF-style: chr1-44841964-C-T. GRCh37 (hg19) VCF-style: chr1-45307636-C-T.
Other names: c.148G>A, p.Gly50Arg (NM_001166292.2); short protein forms G50R.
Identifiers: ClinVar variation 941409 (VCV000941409.10), dbSNP rs1050285039, ClinGen allele CA340110881.